The following is an entry in ClinVar:

ClinVar aggregate classification (germline): Conflicting classifications of pathogenicity. Review status: criteria provided, conflicting classifications (1 of 4 stars). 4 submissions from 4 submitters: Uncertain significance (3); Likely benign (1). Last evaluated 2026-01-28.

Conditions:
Cardiovascular phenotype. Identifiers: MedGen CN230736.
Alstrom syndrome (ALMS). Identifiers: Orphanet 64, MedGen C0268425, MONDO:0008763, OMIM 203800.

Allele frequency attached by ClinVar (database versions not stated): gnomAD exomes 0.00001 and 0.00002; gnomAD 0.00003.

Submissions (4):

Ambry Genetics
Classification: Likely benign for Cardiovascular phenotype. Last evaluated: 2026-01-28. Review status: criteria provided, single submitter. Criteria: Ambry Variant Classification Scheme 2023. Collection method: clinical testing. Allele origin: germline.

ARUP Laboratories, Molecular Genetics and Genomics, ARUP Laboratories
Classification: Uncertain significance for Alstrom syndrome. Last evaluated: 2024-12-24. Review status: criteria provided, single submitter. Criteria: ARUP Molecular Germline Variant Investigation Process 2024. Collection method: clinical testing. Allele origin: germline.
Comment: The ALMS1 c.3959C>G; p.Ala1320Gly variant (rs1399638135), to our knowledge, is not reported in the medical literature but is reported in ClinVar (Variation ID: 1490109). This variant is found in the non-Finnish European population with an allele frequency of 0.002% (3/128,124 alleles) in the Genome Aggregation Database (v2.1.1). Computational analyses predict that this variant is neutral (REVEL: 0.025). However, given the lack of clinical and functional data, the significance of this variant is uncertain at this time.

Labcorp Genetics (formerly Invitae), Labcorp
Classification: Uncertain significance for Alstrom syndrome. Last evaluated: 2024-11-02. Review status: criteria provided, single submitter. Criteria: Invitae Variant Classification Sherloc (09022015). Collection method: clinical testing. Allele origin: germline.
Comment: This sequence change replaces alanine, which is neutral and non-polar, with glycine, which is neutral and non-polar, at codon 1321 of the ALMS1 protein (p.Ala1321Gly). This variant is present in population databases (no rsID available, gnomAD 0.002%). This variant has not been reported in the literature in individuals affected with ALMS1-related conditions. ClinVar contains an entry for this variant (Variation ID: 1490109). Experimental studies and prediction algorithms are not available or were not evaluated, and the functional significance of this variant is currently unknown. In summary, the available evidence is currently insufficient to determine the role of this variant in disease. Therefore, it has been classified as a Variant of Uncertain Significance.

GeneDx
Classification: Uncertain significance. Last evaluated: 2023-11-13. Review status: criteria provided, single submitter. Criteria: GeneDx Variant Classification Process June 2021. Collection method: clinical testing. Allele origin: germline. Affected: yes.
Comment: Not observed at significant frequency in large population cohorts (gnomAD); In silico analysis supports that this missense variant does not alter protein structure/function; Has not been previously published as pathogenic or benign to our knowledge

NM_001378454.1(ALMS1):c.3959C>G (p.Ala1320Gly)

Gene: ALMS1 (ALMS1 centrosome and basal body associated protein; plus strand). Cytogenetic location: 2p13.1.
Variant type: single nucleotide variant.
Coding change: c.3959C>G on transcript NM_001378454.1 (MANE Select); coding-DNA position 3959, C replaced by G.
Protein change: p.Ala1320Gly; replaces alanine 1320 with glycine.
Molecular consequence: missense variant.
Genome position (GRCh38, 1-based): chr2:73,450,486, C>G. VCF-style: chr2-73450486-C-G. GRCh37 (hg19) VCF-style: chr2-73677613-C-G.
Other names: c.3962C>G, p.Ala1321Gly (NM_015120.4); short protein forms A1320G, A1321G.
Identifiers: ClinVar variation 1490109 (VCV001490109.9), dbSNP rs1399638135, ClinGen allele CA347277162.
Genomic context (GRCh38, chr2:73,450,486, plus strand): 5'-CGTTGCCAAGTAGTCATCTAACTGAAGAGGCTAAGAATGTTTCAGCGGTTCCTGGACCAG[C>G]TGACCAGAAGACTGTGATACCAATTTTACCCTCTACTTTCTACTCACACACAGAGAAGCC-3'
Protein context (NP_001365383.1, residues 1310-1330): AKNVSAVPGP[Ala1320Gly]DQKTVIPILP